The following is an entry in ClinVar:

NM_000211.5(ITGB2):c.991G>A (p.Glu331Lys)

Gene: ITGB2 (integrin subunit beta 2; minus strand). Cytogenetic location: 21q22.3.
Variant type: single nucleotide variant.
Coding change: c.991G>A on transcript NM_000211.5 (MANE Select); coding-DNA position 991, G replaced by A.
Protein change: p.Glu331Lys; replaces glutamic acid 331 with lysine.
Molecular consequence: missense variant.
Genome position (GRCh38, 1-based): chr21:44,899,069, C>T on the plus strand (G>A on the coding strand, the complement: ITGB2 is on the minus strand). VCF-style: chr21-44899069-C-T. GRCh37 (hg19) VCF-style: chr21-46318984-C-T.
Other names: c.991G>A, p.Glu331Lys (NM_001127491.3); c.784G>A, p.Glu262Lys (NM_001303238.2); short protein forms E262K, E331K.
Identifiers: ClinVar variation 2717897 (VCV002717897.2), dbSNP rs755600323, ClinGen allele CA10062984.
Genomic context (GRCh38, chr21:44,899,069, plus strand): 5'-GGCCTGTGGCTGAAACATGCCCCCACCCAATGGATGCTCGGGACCCAACAGCACTCACCT[C>T]GTAGGTCTTCACCATCCTACTGGTCACCGCGAAGATGGGCTGGATGTTGTTTTCAGCCAG-3'
Protein context (NP_000202.3, residues 321-341): AVTSRMVKTY[Glu331Lys]KLTEIIPKSA

ClinVar aggregate classification (germline): Uncertain significance (1 of 4 stars; one submission).

Conditions:
Leukocyte adhesion deficiency 1 (LAD1). Also called: LEUKOCYTE ADHESION DEFICIENCY, TYPE I; LAD 1; Lymphocyte function-associated antigen 1 immunodeficiency; LFA 1 immunodeficiency. Identifiers: Orphanet 2968, Orphanet 99842, MedGen C0398738, MONDO:0007293, OMIM 116920.

Allele frequency attached by ClinVar (database versions not stated): TOPMed below 0.00001; gnomAD 0.00001; gnomAD exomes 0.00001; ExAC 0.00003.
gnomAD v4.1: 12 of 1,612,412 alleles (0.00074%); highest among the groups gnomAD compares: East Asian, 0.0022%; no homozygotes.

Submission:

Labcorp Genetics (formerly Invitae), Labcorp
Classification: Uncertain significance for Leukocyte adhesion deficiency 1. Last evaluated: 2023-04-06. Review status: criteria provided, single submitter. Criteria: Invitae Variant Classification Sherloc (09022015). Collection method: clinical testing. Allele origin: germline.
Comment: In summary, the available evidence is currently insufficient to determine the role of this variant in disease. Therefore, it has been classified as a Variant of Uncertain Significance. Algorithms developed to predict the effect of missense changes on protein structure and function output the following: SIFT: "Not Available"; PolyPhen-2: "Benign"; Align-GVGD: "Not Available". The lysine amino acid residue is found in multiple mammalian species, which suggests that this missense change does not adversely affect protein function. This variant has not been reported in the literature in individuals affected with ITGB2-related conditions. This variant is present in population databases (rs755600323, gnomAD 0.004%). This sequence change replaces glutamic acid, which is acidic and polar, with lysine, which is basic and polar, at codon 331 of the ITGB2 protein (p.Glu331Lys).